The following is an entry in ClinVar:

NM_000059.4(BRCA2):c.7865A>G (p.Asn2622Ser)

Gene: BRCA2 (BRCA2 DNA repair associated; plus strand). Cytogenetic location: 13q13.1.
Variant type: single nucleotide variant.
Coding change: c.7865A>G on transcript NM_000059.4 (MANE Select); coding-DNA position 7865, A replaced by G.
Protein change: p.Asn2622Ser; replaces asparagine 2622 with serine.
Molecular consequence: missense variant.
Genome position (GRCh38, 1-based): chr13:32,362,582, A>G. VCF-style: chr13-32362582-A-G. GRCh37 (hg19) VCF-style: chr13-32936719-A-G.
Other names: p.N2622S:AAT>AGT; p.Asn2622Ser; 8093A>G; short protein forms N2622S.
Identifiers: ClinVar variation 91496 (VCV000091496.54), dbSNP rs142899125, ClinGen allele CA025313.

ClinVar aggregate classification (germline): Uncertain significance. Review status: criteria provided, multiple submitters, no conflicts (2 of 4 stars). 16 submissions from 16 submitters: Uncertain significance (14). 2 of the submissions do not count toward it. Last evaluated 2026-04-29.

Conditions:
BRCA2-related cancer predisposition. Identifiers: MedGen CN377758, MONDO:0700269.
Hereditary cancer-predisposing syndrome. Also called: Hereditary Cancer Syndrome; Neoplastic Syndromes, Hereditary; Hereditary neoplastic syndrome; Tumor predisposition. Identifiers: Orphanet 140162, MedGen C0027672, MeSH D009386, MONDO:0015356.
Breast-ovarian cancer, familial, susceptibility to, 2 (BROVCA2). Also called: BRCA2 Hereditary Breast and Ovarian Cancer. Identifiers: Orphanet 145, MedGen C2675520, MONDO:0012933, OMIM 612555. Disease mechanism: loss of function.
Fanconi anemia complementation group D1. Also called: BRCA2-Related Fanconi Anemia. Identifiers: Orphanet 319462, MedGen C1838457, MONDO:0011584, OMIM 605724.
Medulloblastoma (MDB). Also called: MEDULLOBLASTOMA PREDISPOSITION SYNDROME; Medulloblastoma, somatic. Identifiers: Orphanet 616, MedGen C0025149, MeSH D008527, MONDO:0007959, OMIM 155255, HP:0002885.
Pancreatic cancer, susceptibility to, 2. Identifiers: Orphanet 1333, MedGen C3150546, MONDO:0013235, OMIM 613347.
Glioma susceptibility 3 (GLM3). Also called: Glioblastoma 3. Identifiers: Orphanet 182067, Orphanet 360, MedGen C2751641, MONDO:0013093, OMIM 613029.
Wilms tumor 1 (WT1). Also called: Wilms tumor, somatic. Identifiers: Orphanet 654, MedGen CN033288, MONDO:0008679, OMIM 194070.
Familial cancer of breast. Also called: hereditary breast carcinoma; BREAST CANCER, FAMILIAL; Hereditary breast cancer. Identifiers: Orphanet 227535, MedGen C0346153, MONDO:0016419, OMIM 114480. Disease mechanism: loss of function.
Prostate cancer. Also called: Malignant tumor of prostate. Identifiers: Orphanet 1331, MedGen C0376358, MONDO:0008315, HP:0012125.
Hereditary breast ovarian cancer syndrome. Also called: Hereditary breast and ovarian cancer syndrome; Breast and ovarian cancer; Hereditary breast and ovarian cancer syndrome (HBOC); BRCA1- and BRCA2-Associated Hereditary Breast and Ovarian Cancer; Hereditary breast and/or ovarian cancer syndrome; Hereditary breast and ovarian cancer. Identifiers: Orphanet 145, MedGen C0677776, MeSH D061325, MONDO:0003582. Disease mechanism: loss of function.

Allele frequency attached by ClinVar (database versions not stated): gnomAD exomes 0.00003 and below 0.00001; gnomAD 0.00007 and 0.00009; ESP Exome Variant Server 0.00008; 1000 Genomes Project 30x 0.00016; ExAC 0.00006; TOPMed 0.00010; 1000 Genomes Project 0.00020.
gnomAD v4.1: 17 of 1,614,152 alleles (0.0011%); highest among the groups gnomAD compares: African/African-American, 0.021%; no homozygotes.

Submissions 1 to 5 of 16:

Women's Health and Genetics/Laboratory Corporation of America, LabCorp
Classification: Uncertain significance. Last evaluated: 2026-04-29. Review status: criteria provided, single submitter. Criteria: LabCorp Variant Classification Summary - May 2015. Collection method: clinical testing. Allele origin: germline.
Comment: Variant summary: BRCA2 c.7865A>G (p.Asn2622Ser) results in a conservative amino acid change located in the helical domain (IPR015252) of the encoded protein sequence. Four of five in-silico tools predict a damaging effect of the variant on protein function. The variant allele was found at a frequency of 2.8e-05 in 251260 control chromosomes. The available data on variant occurrences in the general population are insufficient to allow any conclusion about variant significance. c.7865A>G has been reported in the literature in at least one individual affected with breast cancer (Tung_2014). This report does not provide unequivocal conclusions about association of the variant with Hereditary Breast And Ovarian Cancer Syndrome. At-least one co-occurrence with another pathogenic variant(s) have been observed at our laboratory (BRCA1 c.5324T>G, p.Met1775Arg), providing supporting evidence for a benign role. Multiple publications report conflicting experimental evidence evaluating an impact on protein function that does not allow convincing conclusions about the variant effect. Specifically, some studies through the performance of HDR assays and the MANO-B method (which utilizes BRCA2-deficient cells and PARP inhibitors), determined the variant to be damaging/abnormal (Hart_2019, Ikegami_2020, Richardson_2021). However, a different study utilizing a mouse embryonic stem cell (mESC)-based assay to examine the ability to rescue the lethality of Brca2 null mESC as well as sensitivity to six DNA damaging agents, determined the variant to be functional (Biswas_2020). The following publications have been ascertained in the context of this evaluation (PMID: 33293522, 29884841, 32444794, 33609447, 25186627). ClinVar contains an entry for this variant (Variation ID: 91496). Based on the evidence outlined above, the variant was classified as uncertain significance.

Labcorp Genetics (formerly Invitae), Labcorp
Classification: Uncertain significance for Hereditary breast ovarian cancer syndrome. Last evaluated: 2026-01-21. Review status: criteria provided, single submitter. Criteria: Invitae Variant Classification Sherloc (09022015). Collection method: clinical testing. Allele origin: germline.
Comment: This sequence change replaces asparagine, which is neutral and polar, with serine, which is neutral and polar, at codon 2622 of the BRCA2 protein (p.Asn2622Ser). This variant is present in population databases (rs142899125, gnomAD 0.03%). This missense change has been observed in individual(s) with breast cancer (PMID: 25186627). ClinVar contains an entry for this variant (Variation ID: 91496). Invitae Evidence Modeling incorporating data from in vitro experimental studies (PMID: 33609447) did not meet the statistical confidence thresholds required to predict the impact of this variant on BRCA2 function. Experimental studies are conflicting or provide insufficient evidence to determine the effect of this variant on BRCA2 function (PMID: 29884841, 32444794, 33293522, 33609447). RNA analysis performed to evaluate the impact of this missense change on mRNA splicing indicates it does not significantly alter splicing (internal data). In summary, the available evidence is currently insufficient to determine the role of this variant in disease. Therefore, it has been classified as a Variant of Uncertain Significance.

GeneDx
Classification: Uncertain significance. Last evaluated: 2025-05-15. Review status: criteria provided, single submitter. Criteria: GeneDx Variant Classification Process June 2021. Collection method: clinical testing. Allele origin: germline. Affected: yes.
Comment: Published functional studies demonstrate decreased homology-directed repair (HDR) activity and increased sensitivity to PARP inhibitors, but retained ability to rescue cell lethality in a mouse embryonic stem cell assay (PMID: 29884841, 33293522, 32444794, 33609447, 35665744, 39779857, 39779848); In silico analysis suggests that this missense variant does not alter protein structure/function; Also known as 8093A>G; This variant is associated with the following publications: (PMID: 32444794, 33609447, 29884841, 35665744, 38623065, 39779857, 39779848, 12228710, 33293522, 25186627, 32832836, 31853058)

Ambry Genetics
Classification: Uncertain significance for Hereditary cancer-predisposing syndrome. Last evaluated: 2025-04-17. Review status: criteria provided, single submitter. Criteria: Ambry Variant Classification Scheme 2023. Collection method: clinical testing. Allele origin: germline.
Comment: The p.N2622S variant (also known as c.7865A>G), located in coding exon 16 of the BRCA2 gene, results from an A to G substitution at nucleotide position 7865. The asparagine at codon 2622 is replaced by serine, an amino acid with highly similar properties. This variant was also identified in a cohort of 3,579 African males diagnosed with prostate cancer who underwent multi-gene panel testing of 19 DNA repair and cancer predisposition genes (Matejcic M et al. JCO Precis Oncol, 2020 Jan;4:32-43). Based on data from gnomAD, the frequency for this variant is above the maximum credible frequency for a disease-causing variant in this gene based on internally established thresholds (Karczewski et al. Nature. 2020 May;581(7809):434-443; Whiffin et al. Genet Med. 2017 10;19:1151-1158). However, functional studies for this variant have reported conflicting results. This variant was non-functional in a homology-directed DNA repair (HDR) assay (Hart SN et al. Genet. Med. 2018 Jun;21(1):71-80; Richardson ME et al. Am J Hum Genet, 2021 03;108:458-468) and was reported to be deleterious based on sensitivity to PARP inhibitors in a high-throughput in vitro assay performed in a human colorectal adenoma cell line (Ikegami M et al. Nat Commun. 2020 May;11(1):2573). Two saturation genome editing-based studies, including a haploid cell-survival assay and a humanized mouse embryonic stem cell line assay of drug response and survival, demonstrate that this nucleotide substitution is non-functional (Huang H et al. Nature. 2025 Feb;638(8050):528-537; Sahu S et al. Nature. 2025 Feb;638(8050):538-545). In contrast, this alteration behaved like known benign variants in another mouse embryonic stem cell survival and drug sensitivity assay (Biswas K et al. NPJ Genom Med. 2020 Dec;5(1):52). This amino acid position is highly conserved in available vertebrate species. In addition, the in silico prediction for this alteration is inconclusive. Based on the available evidence, the clinical significance of this variant remains unclear.

Quest Diagnostics Nichols Institute San Juan Capistrano
Classification: Uncertain significance. Last evaluated: 2025-01-14. Review status: criteria provided, single submitter. Criteria: Quest Diagnostics criteria. Collection method: clinical testing. Allele origin: unknown.
Comment: The BRCA2 c.7865A>G (p.Asn2622Ser) variant has been reported in the published literature in individuals with breast cancer (PMID: 25186627 (2015)) and prostate cancer (PMID: 32832836 (2020)). Experimental studies assessing the variants impact on homology directed repair (HDR), cell viability, and drug sensitivity were conflicting as to whether or not this variant disrupts protein function (PMIDs: 33609447 (2021), 33293522 (2020), 32444794 (2020), 29884841 (2019)). The frequency of this variant in the general population (Genome Aggregation Database) is uninformative in the assessment of its pathogenicity. Analysis of this variant using bioinformatics tools for the prediction of the effect of amino acid changes on protein structure and function yielded predictions that this variant is damaging. Based on the available information, we are unable to determine the clinical significance of this variant.